The following is an entry in ClinVar:

ClinVar aggregate classification (germline): Uncertain significance (1 of 4 stars; one submission).

Conditions:
Glycogen storage disease, type II (IOPD). Also called: Glycogen storage disease type 2; Acid maltase deficiency disease; Aglucosidase alfa; Deficiency of alpha-glucosidase; Deficiency of lysosomal alpha-glucosidase; Glucosidase acid-1,4-alpha deficiency. Identifiers: Orphanet 365, MedGen C0017921, MONDO:0009290, OMIM 232300.

Allele frequency attached by ClinVar (database versions not stated): gnomAD exomes below 0.00001.
gnomAD v4.1: 2 of 1,612,354 alleles (0.00012%); highest among the groups gnomAD compares: African/African-American, 0.0013%; no homozygotes.

Submission:

Labcorp Genetics (formerly Invitae), Labcorp
Classification: Uncertain significance for Glycogen storage disease, type II. Last evaluated: 2025-10-02. Review status: criteria provided, single submitter. Criteria: Invitae Variant Classification Sherloc (09022015). Collection method: clinical testing. Allele origin: germline.
Comment: This sequence change falls in intron 16 of the GAA gene. It does not directly change the encoded amino acid sequence of the GAA protein. It affects a nucleotide within the consensus splice site. This variant is not present in population databases (gnomAD no frequency). This variant has not been reported in the literature in individuals affected with GAA-related conditions. ClinVar contains an entry for this variant (Variation ID: 1041879). Variants that disrupt the consensus splice site are a relatively common cause of aberrant splicing (PMID: 17576681, 9536098). Algorithms developed to predict the effect of sequence changes on RNA splicing suggest that this variant may disrupt the consensus splice site. In summary, the available evidence is currently insufficient to determine the role of this variant in disease. Therefore, it has been classified as a Variant of Uncertain Significance.

Literature cited by the submitters: PubMed 17576681; PubMed 9536098.

NM_000152.5(GAA):c.2331+4A>C

Gene: GAA (alpha glucosidase; plus strand). Cytogenetic location: 17q25.3.
Variant type: single nucleotide variant.
Coding change: c.2331+4A>C on transcript NM_000152.5 (MANE Select); 4 bases into the intron after coding-DNA position 2331, A replaced by C.
Molecular consequence: intron variant.
Genome position (GRCh38, 1-based): chr17:80,117,113, A>C. VCF-style: chr17-80117113-A-C. GRCh37 (hg19) VCF-style: chr17-78090912-A-C.
Other names: c.2331+4A>C (NM_001079803.3, NM_001079804.3).
Identifiers: ClinVar variation 1041879 (VCV001041879.3), dbSNP rs2039371081, ClinGen allele CA2277817318.
Genomic context (GRCh38, chr17:80,117,113, plus strand): 5'-GGGAAGGCCGAAGTGACTGGCTACTTCCCCTTGGGCACATGGTACGACCTGCAGACGGTG[A>C]GTCTGGGGACCCTAAGCCCTGGGGAGACGGGAGACCAGAGCAGCCCTCCCACCTGCCCCC-3'